The following is an entry in ClinVar:

NM_001142864.4(PIEZO1):c.5482G>A (p.Glu1828Lys)

Gene: PIEZO1 (piezo type mechanosensitive ion channel component 1 (Er blood group); minus strand). Cytogenetic location: 16q24.3.
Variant type: single nucleotide variant.
Coding change: c.5482G>A on transcript NM_001142864.4 (MANE Select); coding-DNA position 5482, G replaced by A.
Protein change: p.Glu1828Lys; replaces glutamic acid 1828 with lysine.
Molecular consequence: missense variant.
Genome position (GRCh38, 1-based): chr16:88,721,352, C>T on the plus strand (G>A on the coding strand, the complement: PIEZO1 is on the minus strand). VCF-style: chr16-88721352-C-T. GRCh37 (hg19) VCF-style: chr16-88787760-C-T.
Other names: p.Glu1828Lys; c.4024G>A, p.Glu1342Lys (NM_014745.1); c.5482G>A (NM_001142864.3); short protein forms E1342K, E1828K.
Identifiers: ClinVar variation 2296223 (VCV002296223.9), dbSNP rs532921066, ClinGen allele CA286409551.

ClinVar aggregate classification (germline): Conflicting classifications of pathogenicity. Review status: criteria provided, conflicting classifications (1 of 4 stars). 6 submissions from 6 submitters: Uncertain significance (5); Benign (1). Last evaluated 2026-02-27.

Conditions:
PIEZO1-related disorder. Also called: PIEZO1-Related Disorders; PIEZO1-related condition.
Inborn genetic diseases. Identifiers: MedGen C0950123, MeSH D030342.

Allele frequency attached by ClinVar (database versions not stated): 1000 Genomes Project 30x 0.00016; 1000 Genomes Project 0.00020.
gnomAD v4.1: 324 of 1,548,858 alleles (0.021%); highest among the groups gnomAD compares: Middle Eastern, 0.05%; no homozygotes.

Submissions (6):

PreventionGenetics, part of Exact Sciences
Classification: Uncertain significance for PIEZO1-related condition. Last evaluated: 2026-02-27. Review status: criteria provided, single submitter. Criteria: ACMG Guidelines, 2015. Collection method: clinical testing. Allele origin: germline.
Comment: The PIEZO1 c.5482G>A variant is predicted to result in the amino acid substitution p.Glu1828Lys. This variant was reported in an individual who also had compound heterozygous variants in SEC23B (Nostros et al. 2025. PubMed ID: 41657939). This PIEZO1 variant is reported in 0.015% of alleles in individuals of European (Non-Finnish) descent in gnomAD. At this time, the clinical significance of this variant is uncertain due to the absence of conclusive functional and genetic evidence.

Labcorp Genetics (formerly Invitae), Labcorp
Classification: Benign. Last evaluated: 2026-01-20. Review status: criteria provided, single submitter. Criteria: Invitae Variant Classification Sherloc (09022015). Collection method: clinical testing. Allele origin: germline.

Ambry Genetics
Classification: Uncertain significance for Inborn genetic diseases. Last evaluated: 2025-01-23. Review status: criteria provided, single submitter. Criteria: Ambry Variant Classification Scheme 2023. Collection method: clinical testing. Allele origin: germline.

Mayo Clinic Laboratories, Mayo Clinic
Classification: Uncertain significance. Last evaluated: 2024-07-22. Review status: criteria provided, single submitter. Criteria: ACMG Guidelines, 2015. Collection method: clinical testing. Allele origin: germline. Observed: 1 variant allele.
Comment: BP4, PM2

ARUP Laboratories, Molecular Genetics and Genomics, ARUP Laboratories
Classification: Uncertain significance. Last evaluated: 2023-10-25. Review status: criteria provided, single submitter. Criteria: ARUP Molecular Germline Variant Investigation Process 2024. Collection method: clinical testing. Allele origin: germline.

Revvity Omics, Revvity
Classification: Uncertain significance. Last evaluated: 2023-08-01. Review status: criteria provided, single submitter. Criteria: ACMG Guidelines, 2015. Collection method: clinical testing. Allele origin: germline.